The following is an entry in ClinVar:

NM_014727.3(KMT2B):c.3136C>T (p.Arg1046Cys)

Gene: KMT2B (lysine methyltransferase 2B; plus strand). Cytogenetic location: 19q13.12.
Variant type: single nucleotide variant.
Coding change: c.3136C>T on transcript NM_014727.3 (MANE Select); coding-DNA position 3136, C replaced by T.
Protein change: p.Arg1046Cys; replaces arginine 1046 with cysteine.
Molecular consequence: missense variant.
Genome position (GRCh38, 1-based): chr19:35,723,809, C>T. VCF-style: chr19-35723809-C-T. GRCh37 (hg19) VCF-style: chr19-36214710-C-T.
Other names: short protein forms R1046C.
Identifiers: ClinVar variation 2505258 (VCV002505258.1), dbSNP rs1969315638, ClinGen allele CA405404091.

ClinVar aggregate classification (germline): Uncertain significance (1 of 4 stars; one submission).

Allele frequency attached by ClinVar (database versions not stated): gnomAD exomes below 0.00001.
gnomAD v4.1: 1 of 1,592,054 alleles (0.000063%); highest among the groups gnomAD compares: Non-Finnish European, 0.000086%; no homozygotes.

Submission:

Greenwood Genetic Center Diagnostic Laboratories, Greenwood Genetic Center
Classification: Uncertain significance. Last evaluated: 2023-01-04. Review status: criteria provided, single submitter. Criteria: ACMG Guidelines, 2015. Collection method: clinical testing. Allele origin: germline. Affected: yes.
Comment: PM2, PP2, PP3